The following is an entry in ClinVar:

NM_000492.4(CFTR):c.3809A>G (p.Asp1270Gly)

Genes: CFTR (CF transmembrane conductance regulator; plus strand), CFTR-AS2 (CFTR antisense RNA 2; minus strand). Cytogenetic location: 7q31.2.
Variant type: single nucleotide variant.
Coding change: c.3809A>G on transcript NM_000492.4 (MANE Select); coding-DNA position 3809, A replaced by G.
Protein change: p.Asp1270Gly; replaces aspartic acid 1270 with glycine.
Molecular consequence: missense variant.
Genome position (GRCh38, 1-based): chr7:117,642,529, A>G. VCF-style: chr7-117642529-A-G. GRCh37 (hg19) VCF-style: chr7-117282583-A-G.
Other names: short protein forms D1270G.
Identifiers: ClinVar variation 2637639 (VCV002637639.1), dbSNP rs765549490, ClinGen allele CA4451551.
Genomic context (GRCh38, chr7:117,642,529, plus strand): 5'-AGAGTACTTTGTTATCAGCTTTTTTGAGACTACTGAACACTGAAGGAGAAATCCAGATCG[A>G]TGGTGTGTCTTGGGATTCAATAACTTTGCAACAGTGGAGGAAAGCCTTTGGAGTGATACC-3'
Protein context (NP_000483.3, residues 1260-1280): LLNTEGEIQI[Asp1270Gly]GVSWDSITLQ

ClinVar aggregate classification (germline): Uncertain significance (1 of 4 stars; one submission).

Allele frequency attached by ClinVar (database versions not stated): ExAC 0.00001; gnomAD 0.00001; gnomAD exomes 0.00001; TOPMed 0.00001.
gnomAD v4.1: 6 of 1,613,502 alleles (0.00037%); highest among the groups gnomAD compares: Admixed American, 0.01%; no homozygotes.

Submission:

Women's Health and Genetics/Laboratory Corporation of America, LabCorp
Classification: Uncertain significance. Last evaluated: 2023-10-02. Review status: criteria provided, single submitter. Criteria: LabCorp Variant Classification Summary - May 2015. Collection method: clinical testing. Allele origin: germline.
Comment: Variant summary: CFTR c.3809A>G (p.Asp1270Gly) results in a non-conservative amino acid change located in the ABC transporter-like, ATP-binding domain (IPR003439) of the encoded protein sequence. Five of five in-silico tools predict a damaging effect of the variant on protein function. The variant allele was found at a frequency of 1.6e-05 in 250992 control chromosomes (gnomAD). The available data on variant occurrences in the general population are insufficient to allow any conclusion about variant significance. To our knowledge, no occurrence of c.3809A>G in individuals affected with Cystic Fibrosis and no experimental evidence demonstrating its impact on protein function have been reported. No submitters have cited clinical-significance assessments for this variant to ClinVar after 2014. Based on the evidence outlined above, the variant was classified as uncertain significance.